The following is an entry in ClinVar:

ClinVar aggregate classification (germline): Uncertain significance (1 of 4 stars; one submission).

gnomAD v4.1: 13 of 1,612,498 alleles (0.00081%); highest among the groups gnomAD compares: African/African-American, 0.0013%; no homozygotes.

Submission:

Ambry Genetics
Classification: Uncertain significance. Last evaluated: 2025-12-31. Review status: criteria provided, single submitter. Criteria: Ambry Variant Classification Scheme 2023. Collection method: clinical testing. Allele origin: germline.
Comment: The c.5591T>C (p.L1864P) alteration is located in exon 5 (coding exon 3) of the AHNAK gene. This alteration results from a T to C substitution at nucleotide position 5591, causing the leucine (L) at amino acid position 1864 to be replaced by a proline (P). Based on data from gnomAD, the C allele has an overall frequency of <0.001% (1/251472) total alleles studied. The highest observed frequency was 0.001% (1/113754) of European (non-Finnish) alleles. Based on insufficient or conflicting evidence, the clinical significance of this alteration remains unclear.

NM_001620.3(AHNAK):c.5591T>C (p.Leu1864Pro)

Gene: AHNAK (AHNAK nucleoprotein; minus strand). Cytogenetic location: 11q12.3.
Variant type: single nucleotide variant.
Coding change: c.5591T>C on transcript NM_001620.3 (MANE Select); coding-DNA position 5591, T replaced by C.
Protein change: p.Leu1864Pro; replaces leucine 1864 with proline.
Molecular consequence: missense variant. On other transcripts: intron variant (1).
Genome position (GRCh38, 1-based): chr11:62,528,826, A>G on the plus strand (T>C on the coding strand, the complement: AHNAK is on the minus strand). VCF-style: chr11-62528826-A-G. GRCh37 (hg19) VCF-style: chr11-62296298-A-G.
Other names: c.5591T>C, p.Leu1864Pro (NM_001346445.2, NM_001346446.2); c.342+6177T>C (NM_024060.4); short protein forms L1864P.
Identifiers: ClinVar variation 4838859 (VCV004838859.1).
Genomic context (GRCh38, chr11:62,528,826, plus strand): 5'-AAATCTCCCTCCAATTTTGGCACCGACACATCCGCATCCCCTTTGACTTTGGGGCCTTTC[A>G]GGTGTAAGTCCACATCAGGCATGGAGATCTTGGGGGCCTTGAAGTGCATCTCAGGCATCT-3'
Protein context (NP_001611.1, residues 1854-1874): KISMPDVDLH[Leu1864Pro]KGPKVKGDAD